The following is an entry in ClinVar:

ClinVar aggregate classification (germline): Uncertain significance. Review status: criteria provided, multiple submitters, no conflicts (2 of 4 stars). 7 submissions from 7 submitters: Uncertain significance (7). Last evaluated 2026-05-26.

Conditions:
Inborn genetic diseases. Identifiers: MedGen C0950123, MeSH D030342.
Epidermolysis bullosa simplex 5C, with pyloric atresia (EBS5C). Also called: PLEC-Related Epidermolysis Bullosa with Pyloric Atresia; Epidermolysis bullosa simplex with pyloric atresia; PLEC1-Related Epidermolysis Bullosa with Pyloric Atresia. Identifiers: Orphanet 158684, MedGen C2677349, MONDO:0012807, OMIM 612138.
Epidermolysis bullosa simplex 5B, with muscular dystrophy (EBS5B). Also called: EPIDERMOLYSIS BULLOSA SIMPLEX AND LIMB-GIRDLE MUSCULAR DYSTROPHY; Epidermolysis bullosa simplex with muscular dystrophy. Identifiers: Orphanet 257, MedGen C2931072, MONDO:0009181, OMIM 226670.
Epidermolysis bullosa simplex with nail dystrophy (EBS5D). Identifiers: MedGen C4225309, MONDO:0014661, OMIM 616487.
Epidermolysis bullosa simplex, Ogna type (EBS5A). Also called: Pidermolysis bullosa simplex 5A, Ogna type; EPIDERMOLYSIS BULLOSA SIMPLEX 5A, OGNA TYPE. Identifiers: Orphanet 79401, MedGen C0432317, MONDO:0007555, OMIM 131950.
Autosomal recessive limb-girdle muscular dystrophy type 2Q (LGMDR17). Also called: MUSCULAR DYSTROPHY, LIMB-GIRDLE, AUTOSOMAL RECESSIVE 17. Identifiers: Orphanet 254361, MedGen C3150989, MONDO:0013390, OMIM 613723.
PLEC-related disorder. Also called: PLEC-related condition; PLEC-related disorders.

Allele frequency attached by ClinVar (database versions not stated): gnomAD 0.00006 and 0.00010; gnomAD exomes 0.00013 and 0.00033; TOPMed 0.00013; 1000 Genomes Project 30x 0.00031; ExAC 0.00053; 1000 Genomes Project 0.00060.
gnomAD v4.1: 195 of 1,587,400 alleles (0.012%); highest among the groups gnomAD compares: South Asian, 0.11%; no homozygotes.

Submissions (7):

PreventionGenetics, part of Exact Sciences
Classification: Uncertain significance for PLEC-related condition. Last evaluated: 2026-05-26. Review status: criteria provided, single submitter. Criteria: ACMG Guidelines, 2015. Collection method: clinical testing. Allele origin: germline.
Comment: The PLEC c.5107C>T variant is predicted to result in the amino acid substitution p.Arg1703Cys. This variant was reported in the compound heterozygous state in an individual with epidermolysis bullosa simplex (Reported as NM_201384:c.5026C>T (p.Arg1676Cys) in Vahidnezhad et al. 2022. PubMed ID: 35815343). This variant is reported in 0.15% of alleles in individuals of East Asian descent in gnomAD. At this time, the clinical significance of this variant is uncertain due to the absence of conclusive functional and genetic evidence.

Labcorp Genetics (formerly Invitae), Labcorp
Classification: Uncertain significance for Autosomal recessive limb-girdle muscular dystrophy type 2Q; Epidermolysis bullosa simplex, Ogna type; Epidermolysis bullosa simplex with nail dystrophy; Epidermolysis bullosa simplex 5C, with pyloric atresia; Epidermolysis bullosa simplex 5B, with muscular dystrophy. Last evaluated: 2025-12-09. Review status: criteria provided, single submitter. Criteria: Invitae Variant Classification Sherloc (09022015). Collection method: clinical testing. Allele origin: germline.
Comment: This sequence change replaces arginine, which is basic and polar, with cysteine, which is neutral and slightly polar, at codon 1703 of the PLEC protein (p.Arg1703Cys). This variant is present in population databases (rs549098011, gnomAD 0.1%). This missense change has been observed in individual(s) with autosomal recessive epidermolysis bullosa simplex (PMID: 35815343). This variant is also known as c.5026C>T (p.Arg1676Cys). ClinVar contains an entry for this variant (Variation ID: 835827). Experimental studies and prediction algorithms are not available or were not evaluated, and the functional significance of this variant is currently unknown. In summary, the available evidence is currently insufficient to determine the role of this variant in disease. Therefore, it has been classified as a Variant of Uncertain Significance.

Women's Health and Genetics/Laboratory Corporation of America, LabCorp
Classification: Uncertain significance. Last evaluated: 2025-01-22. Review status: criteria provided, single submitter. Criteria: LabCorp Variant Classification Summary - May 2015. Collection method: clinical testing. Allele origin: germline.
Comment: Variant summary: PLEC c.5107C>T (p.Arg1703Cys) results in a non-conservative amino acid change in the encoded protein sequence. Five of five in-silico tools predict a damaging effect of the variant on protein function. The variant allele was found at a frequency of 0.00033 in 203482 control chromosomes. This frequency is not significantly higher than estimated for a pathogenic variant in PLEC causing Epidermolysis bullosa simplex with nail dystrophy (0.00033 vs 0.0011), allowing no conclusion about variant significance. c.5107C>T has been reported in the literature in at least one compound heterozygous individual affected with epidermolysis bullosa simplex (e.g., Vahidnezad_2023). These data do not allow any conclusion about variant significance. To our knowledge, no experimental evidence demonstrating an impact on protein function has been reported. The following publication has been ascertained in the context of this evaluation (PMID: 35815343). ClinVar contains an entry for this variant (Variation ID: 835827). Based on the evidence outlined above, the variant was classified as uncertain significance.

Blueprint Genetics
Classification: Uncertain significance. Last evaluated: 2024-09-05. Review status: criteria provided, single submitter. Criteria: ACMG Guidelines, 2015. Collection method: clinical testing. Allele origin: germline.

Institute for Clinical Genetics, University Hospital TU Dresden, University Hospital TU Dresden
Classification: Uncertain significance. Last evaluated: 2023-04-12. Review status: criteria provided, single submitter. Criteria: ACMG Guidelines, 2015. Collection method: clinical testing. Allele origin: germline.

Revvity Omics, Revvity
Classification: Uncertain significance. Last evaluated: 2023-01-19. Review status: criteria provided, single submitter. Criteria: ACMG Guidelines, 2015. Collection method: clinical testing. Allele origin: germline.

Ambry Genetics
Classification: Uncertain significance for Inborn genetic diseases. Last evaluated: 2022-06-28. Review status: criteria provided, single submitter. Criteria: Ambry Variant Classification Scheme 2023. Collection method: clinical testing. Allele origin: germline.

Literature cited by the submitters: PubMed 35815343 (cited by Labcorp Genetics (formerly Invitae), Labcorp and Women's Health and Genetics/Laboratory Corporation of America, LabCorp).

NM_201384.3(PLEC):c.5026C>T (p.Arg1676Cys)

Gene: PLEC (plectin; minus strand). Cytogenetic location: 8q24.3.
Variant type: single nucleotide variant.
Coding change: c.5026C>T on transcript NM_201384.3 (MANE Select); coding-DNA position 5026, C replaced by T.
Protein change: p.Arg1676Cys; replaces arginine 1676 with cysteine.
Molecular consequence: missense variant.
Genome position (GRCh38, 1-based): chr8:143,924,903, G>A on the plus strand (C>T on the coding strand, the complement: PLEC is on the minus strand). VCF-style: chr8-143924903-G-A. GRCh37 (hg19) VCF-style: chr8-144999071-G-A.
Other names: c.5107C>T (NM_000445.3); c.5107C>T, p.Arg1703Cys (NM_000445.5); c.4984C>T, p.Arg1662Cys (NM_201378.4); c.4960C>T, p.Arg1654Cys (NM_201379.3); c.5437C>T, p.Arg1813Cys (NM_201380.4); c.4930C>T, p.Arg1644Cys (NM_201381.3); c.5026C>T, p.Arg1676Cys (NM_201382.4); c.5038C>T, p.Arg1680Cys (NM_201383.3); short protein forms R1654C, R1813C, R1644C, R1662C, R1680C, R1676C, R1703C.
Identifiers: ClinVar variation 835827 (VCV000835827.14), dbSNP rs549098011, ClinGen allele CA4926456.
Genomic context (GRCh38, chr8:143,924,903, plus strand): 5'-TCTCCAGCTCTTGTTCAGCCAGCTCCCGCTGCCGGACGGCCTGCTCCTCCGCCTTGCCGC[G>A]CCGCCGCGCCTCGCGCTCCGCCTCCTCCTTCTGCTTCTCAGCCTCGGCCTGCGCCAGGCT-3'
Protein context (NP_958786.1, residues 1666-1686): KEEAEREARR[Arg1676Cys]GKAEEQAVRQ